The following is an entry in ClinVar:

ClinVar aggregate classification (germline): Conflicting classifications of pathogenicity. Review status: criteria provided, conflicting classifications (1 of 4 stars). 3 submissions from 3 submitters: Uncertain significance (1); Likely benign (2). Last evaluated 2025-07-29.

Conditions:
Pheochromocytoma/paraganglioma syndrome 5. Also called: Paragangliomas 5; SDHA-Related Hereditary Paraganglioma-Pheochromocytoma Syndrome. Identifiers: Orphanet 29072, MedGen C3279992, MONDO:0013602, OMIM 614165.
Mitochondrial complex II deficiency, nuclear type 1. Also called: SUCCINATE CoQ REDUCTASE DEFICIENCY. Identifiers: Orphanet 3208, MedGen C5700310, MONDO:0100294, OMIM 252011.
Hereditary cancer-predisposing syndrome. Also called: Tumor predisposition; Neoplastic Syndromes, Hereditary; Hereditary Cancer Syndrome; Hereditary neoplastic syndrome. Identifiers: Orphanet 140162, MedGen C0027672, MeSH D009386, MONDO:0015356.

Allele frequency attached by ClinVar (database versions not stated): gnomAD exomes below 0.00001.
gnomAD v4.1: 1 of 1,613,822 alleles (0.000062%); highest among the groups gnomAD compares: Non-Finnish European, 0.000085%; no homozygotes.

Submissions (3):

Ambry Genetics
Classification: Uncertain significance for Hereditary cancer-predisposing syndrome. Last evaluated: 2025-07-29. Review status: criteria provided, single submitter. Criteria: Ambry Variant Classification Scheme 2023. Collection method: clinical testing. Allele origin: germline.
Comment: The c.1065-5A>G intronic variant results from an A to G substitution 5 nucleotides upstream from coding exon 9 in the SDHA gene. This nucleotide position is not well conserved in available vertebrate species. In silico splice site analysis predicts that this alteration will not have any significant effect on splicing. Based on the available evidence, the clinical significance of this variant remains unclear.

Myriad Genetics, Inc.
Classification: Likely benign for Pheochromocytoma/paraganglioma syndrome 5. Last evaluated: 2025-03-07. Review status: criteria provided, single submitter. Criteria: Myriad Autosomal Dominant, Autosomal Recessive and X-Linked Classification Criteria (2023). Collection method: clinical testing. Allele origin: unknown.
Comment: This variant is considered likely benign. This variant is intronic and is not expected to impact mRNA splicing.

Labcorp Genetics (formerly Invitae), Labcorp
Classification: Likely benign for Pheochromocytoma/paraganglioma syndrome 5; Mitochondrial complex II deficiency, nuclear type 1. Last evaluated: 2024-12-16. Review status: criteria provided, single submitter. Criteria: Invitae Variant Classification Sherloc (09022015). Collection method: clinical testing. Allele origin: germline.

NM_004168.4(SDHA):c.1065-5A>G

Gene: SDHA (succinate dehydrogenase complex flavoprotein subunit A; plus strand). Cytogenetic location: 5p15.33.
Variant type: single nucleotide variant.
Coding change: c.1065-5A>G on transcript NM_004168.4 (MANE Select); 5 bases into the intron before coding-DNA position 1065, A replaced by G.
Molecular consequence: intron variant.
Genome position (GRCh38, 1-based): chr5:235,139, A>G. VCF-style: chr5-235139-A-G. GRCh37 (hg19) VCF-style: chr5-235254-A-G.
Other names: c.1065-5A>G (NM_001330758.2, NM_004168.2); c.921-5A>G (NM_001294332.2).
Identifiers: ClinVar variation 746242 (VCV000746242.13), dbSNP rs1579406152, ClinGen allele CA915943267.